The following is an entry in ClinVar:

ClinVar aggregate classification (germline): Uncertain significance. Review status: criteria provided, multiple submitters, no conflicts (2 of 4 stars). 2 submissions from 2 submitters: Uncertain significance (2). Last evaluated 2025-04-28.

Conditions:
Hereditary cancer-predisposing syndrome. Also called: Tumor predisposition; Neoplastic Syndromes, Hereditary; Hereditary Cancer Syndrome; Hereditary neoplastic syndrome. Identifiers: Orphanet 140162, MedGen C0027672, MeSH D009386, MONDO:0015356.
Familial adenomatous polyposis 1 (FAP1). Also called: POLYPOSIS, ADENOMATOUS INTESTINAL; FAMILIAL ADENOMATOUS POLYPOSIS 1, ATTENUATED. Identifiers: MedGen C2713442, MONDO:0021056, OMIM 175100. Disease mechanism: loss of function.

Submissions (2):

Labcorp Genetics (formerly Invitae), Labcorp
Classification: Uncertain significance for Familial adenomatous polyposis 1. Last evaluated: 2025-04-28. Review status: criteria provided, single submitter. Criteria: Invitae Variant Classification Sherloc (09022015). Collection method: clinical testing. Allele origin: germline.
Comment: This variant, c.414_417delinsTCTC, is a complex sequence change that results in the deletion of 2 and insertion of 2 amino acid(s) in the APC protein (p.Glu138_Lys139delinsAspLeu). Information on the frequency of this variant in the gnomAD database is not available, as this variant may be reported differently in the database. This variant has not been reported in the literature in individuals affected with APC-related conditions. ClinVar contains an entry for this variant (Variation ID: 3685804). Experimental studies and prediction algorithms are not available or were not evaluated, and the functional significance of this variant is currently unknown. In summary, the available evidence is currently insufficient to determine the role of this variant in disease. Therefore, it has been classified as a Variant of Uncertain Significance.

Color Diagnostics, LLC DBA Color Health
Classification: Uncertain significance for Hereditary cancer-predisposing syndrome. Last evaluated: 2024-03-06. Review status: criteria provided, single submitter. Criteria: ACMG Guidelines, 2015. Collection method: clinical testing. Allele origin: germline.
Comment: This variant causes an in-frame deletion of glutamic acid and lysine and insertion of aspartic acid and leucine in exon 4 of the APC protein. To our knowledge, functional studies have not been reported for this variant. This variant has not been reported in individuals affected with APC-related disorders in the literature. This variant has not been identified in the general population by the Genome Aggregation Database (gnomAD). The available evidence is insufficient to determine the role of this variant in disease conclusively. Therefore, this variant is classified as a Variant of Uncertain Significance.

NM_000038.6(APC):c.414_417delinsTCTC (p.Glu138_Lys139delinsAspLeu)

Gene: APC (APC regulator of Wnt signaling pathway; plus strand). Cytogenetic location: 5q22.2.
Variant type: Indel.
Coding change: c.414_417delinsTCTC on transcript NM_000038.6 (MANE Select); coding-DNA positions 414 to 417, GAAA replaced by TCTC.
Protein change: p.Glu138_Lys139delinsAspLeu.
Molecular consequence: missense variant. On other transcripts: 5 prime UTR variant (4), non-coding transcript variant (2).
Genome position (GRCh38, 1-based): chr5:112,767,382-112,767,385, GAAA replaced by TCTC. VCF-style: chr5-112767382-GAAA-TCTC. GRCh37 (hg19) VCF-style: chr5-112103079-GAAA-TCTC.
Other names: c.414_417delinsTCTC, p.Glu138_Lys139delinsAspLeu (NM_001127510.3, NM_001354895.2, NM_001354896.2 and 16 more transcripts); c.444_447delinsTCTC, p.Glu148_Lys149delinsAspLeu (NM_001127511.3, NM_001354897.2, NM_001354902.2 and 1 more transcripts); c.339_342delinsTCTC, p.Glu113_Lys114delinsAspLeu (NM_001354898.2, NM_001354904.2, NM_001407451.1); c.237_240delinsTCTC, p.Glu79_Lys80delinsAspLeu (NM_001354900.2, NM_001354901.2, NM_001354905.2 and 1 more transcripts); c.-622_-619delinsTCTC (NM_001354906.2, NM_001407470.1, NM_001407471.1 and 1 more transcripts).
Identifiers: ClinVar variation 3685804 (VCV003685804.3).